The following is an entry in ClinVar:

ClinVar aggregate classification (germline): Pathogenic/Likely pathogenic. Review status: criteria provided, multiple submitters, no conflicts (2 of 4 stars). 2 submissions from 2 submitters: Pathogenic (1); Likely pathogenic (1). Last evaluated 2025-11-17.

Conditions:
Jeune thoracic dystrophy. Also called: Jeune syndrome; Infantile thoracic dystrophy; Thoracic pelvic phalangeal dystrophy; Jeune's syndrome; Chondroectodermal dysplasia-like syndrome; Short-rib thoracic dysplasia. Identifiers: Orphanet 474, MedGen C0265275, MONDO:0018770.

Allele frequency attached by ClinVar (database versions not stated): gnomAD exomes 0.00001.
gnomAD v4.1: 6 of 1,611,874 alleles (0.00037%); highest among the groups gnomAD compares: Non-Finnish European, 0.00051%; no homozygotes.

Submissions (2):

Dasa
Classification: Likely pathogenic. Last evaluated: 2025-11-17. Review status: criteria provided, single submitter. Criteria: DASA Assertion Criteria. Collection method: clinical testing. Allele origin: germline.
Comment: NM_020800.3(IFT80):c.464G>A (p.Trp155*) is a nonsense variant in IFT80 predicted to introduce a premature termination codon and is predicted to result in an absent or altered protein product. Loss of function is an established disease mechanism for IFT80-associated disorders. Also, this variant is rare in population databases. Based on the currently available evidence, this variant is classified as likely pathogenic.

Labcorp Genetics (formerly Invitae), Labcorp
Classification: Pathogenic for Jeune thoracic dystrophy. Last evaluated: 2024-06-24. Review status: criteria provided, single submitter. Criteria: Invitae Variant Classification Sherloc (09022015). Collection method: clinical testing. Allele origin: germline.
Comment: This sequence change creates a premature translational stop signal (p.Trp155*) in the IFT80 gene. It is expected to result in an absent or disrupted protein product. Loss-of-function variants in IFT80 are known to be pathogenic (PMID: 21227999, 23339108, 29068549). This variant is not present in population databases (gnomAD no frequency). This variant has not been reported in the literature in individuals affected with IFT80-related conditions. ClinVar contains an entry for this variant (Variation ID: 1897616). Algorithms developed to predict the effect of sequence changes on RNA splicing suggest that this variant may disrupt the consensus splice site. For these reasons, this variant has been classified as Pathogenic.

Literature cited by the submitters: PubMed 21227999 (cited by Labcorp Genetics (formerly Invitae), Labcorp); PubMed 23339108 (cited by Labcorp Genetics (formerly Invitae), Labcorp); PubMed 29068549 (cited by Labcorp Genetics (formerly Invitae), Labcorp).

NM_020800.3(IFT80):c.464G>A (p.Trp155Ter)

Genes: IFT80 (intraflagellar transport 80; minus strand), TRIM59-IFT80 (TRIM59-IFT80 readthrough (NMD candidate); minus strand). Cytogenetic location: 3q25.33.
Variant type: single nucleotide variant.
Coding change: c.464G>A on transcript NM_020800.3 (MANE Select); coding-DNA position 464, G replaced by A.
Protein change: p.Trp155Ter; replaces tryptophan 155 with a stop codon.
Molecular consequence: nonsense. On other transcripts: non-coding transcript variant (3).
Genome position (GRCh38, 1-based): chr3:160,366,128, C>T on the plus strand (G>A on the coding strand, the complement: IFT80 is on the minus strand). VCF-style: chr3-160366128-C-T. GRCh37 (hg19) VCF-style: chr3-160083916-C-T.
Other names: c.53G>A, p.Trp18Ter (NM_001190241.2, NM_001190242.2); short protein forms W155*, W18*.
Identifiers: ClinVar variation 1897616 (VCV001897616.7), dbSNP rs2473456927, ClinGen allele CA355193377.